The following is an entry in ClinVar:

ClinVar aggregate classification (germline): Uncertain significance (1 of 4 stars; one submission).

Conditions:
Inborn genetic diseases. Identifiers: MedGen C0950123, MeSH D030342.

Allele frequency attached by ClinVar (database versions not stated): gnomAD 0.00001; gnomAD exomes 0.00001; ExAC 0.00003; TOPMed 0.00003; ESP Exome Variant Server 0.00008.
gnomAD v4.1: 12 of 1,602,330 alleles (0.00075%); highest among the groups gnomAD compares: Admixed American, 0.005%; no homozygotes.

Submission:

Ambry Genetics
Classification: Uncertain significance for Inborn genetic diseases. Last evaluated: 2022-01-13. Review status: criteria provided, single submitter. Criteria: Ambry Variant Classification Scheme 2023. Collection method: clinical testing. Allele origin: germline.
Comment: The c.1717+4T>C intronic alteration consists of a T to C substitution 4 nucleotides after exon 12 (coding exon 11) of the NNT gene. Based on insufficient or conflicting evidence, the clinical significance of this alteration remains unclear.

NM_182977.3(NNT):c.1717+4T>C

Gene: NNT (nicotinamide nucleotide transhydrogenase; plus strand). Cytogenetic location: 5p12.
Variant type: single nucleotide variant.
Coding change: c.1717+4T>C on transcript NM_182977.3 (MANE Select); 4 bases into the intron after coding-DNA position 1717, T replaced by C.
Molecular consequence: intron variant.
Genome position (GRCh38, 1-based): chr5:43,650,591, T>C. VCF-style: chr5-43650591-T-C. GRCh37 (hg19) VCF-style: chr5-43650693-T-C.
Other names: c.1717+4T>C (NM_012343.4); c.1324+4T>C (NM_001331026.2).
Identifiers: ClinVar variation 2264229 (VCV002264229.2), dbSNP rs373605069, ClinGen allele CA3258042.